The following is an entry in ClinVar:

NM_001377265.1(MAPT):c.258A>C (p.Glu86Asp)

Gene: MAPT (microtubule associated protein tau). Cytogenetic location: 17q21.31.
Variant type: single nucleotide variant.
Coding change: c.258A>C on transcript NM_001377265.1 (MANE Select); coding-DNA position 258, A replaced by C.
Protein change: p.Glu86Asp; replaces glutamic acid 86 with aspartic acid.
Molecular consequence: missense variant. On other transcripts: non-coding transcript variant (1).
Genome position (GRCh38, 1-based): chr17:45,978,412, A>C. VCF-style: chr17-45978412-A-C. GRCh37 (hg19) VCF-style: chr17-44055778-A-C.
Other names: c.345A>C, p.Glu115Asp (NM_001123066.4, NM_001203252.2, NM_005910.6 and 1 more transcripts); c.258A>C, p.Glu86Asp (NM_001123067.4, NM_001203251.2, NM_001377266.1 and 1 more transcripts); c.171A>C, p.Glu57Asp (NM_001377268.1, NM_016834.5, NM_016841.5); short protein forms E115D, E57D, E86D.
Identifiers: ClinVar variation 1061335 (VCV001061335.9), dbSNP rs2072603923, ClinGen allele CA399899455.

ClinVar aggregate classification (germline): Uncertain significance (1 of 4 stars; one submission).

Conditions:
Frontotemporal dementia (FTD1). Also called: FRONTOTEMPORAL LOBAR DEGENERATION WITH TAU INCLUSIONS; FTLD WITH TAU INCLUSIONS; MULTIPLE SYSTEM TAUOPATHY WITH PRESENILE DEMENTIA; Dementia, frontotemporal, with or without parkinsonism; Frontotemporal Dementia with Parkinsonism-17 (FTDP-17); FRONTOTEMPORAL DEMENTIA WITH PARKINSONISM. Identifiers: Orphanet 282, MedGen C0338451, MONDO:0017276, OMIM 600274, HP:0002145.

Allele frequency attached by ClinVar (database versions not stated): gnomAD 0.00001.
gnomAD v4.1: 6 of 1,612,042 alleles (0.00037%); highest among the groups gnomAD compares: Non-Finnish European, 0.00051%; no homozygotes.

Submission:

Labcorp Genetics (formerly Invitae), Labcorp
Classification: Uncertain significance for Frontotemporal dementia. Last evaluated: 2020-09-17. Review status: criteria provided, single submitter. Criteria: Invitae Variant Classification Sherloc (09022015). Collection method: clinical testing. Allele origin: germline.
Comment: In summary, the available evidence is currently insufficient to determine the role of this variant in disease. Therefore, it has been classified as a Variant of Uncertain Significance. Algorithms developed to predict the effect of missense changes on protein structure and function are either unavailable or do not agree on the potential impact of this missense change (SIFT: "Deleterious"; PolyPhen-2: "Probably Damaging"; Align-GVGD: "Class C0"). This variant has not been reported in the literature in individuals with MAPT-related conditions. This variant is not present in population databases (ExAC no frequency). This sequence change replaces glutamic acid with aspartic acid at codon 115 of the MAPT protein (p.Glu115Asp). The glutamic acid residue is highly conserved and there is a small physicochemical difference between glutamic acid and aspartic acid.